The following is an entry in ClinVar:

ClinVar aggregate classification (germline): Uncertain significance (1 of 4 stars; one submission).

gnomAD v4.1: 2 of 1,614,016 alleles (0.00012%); highest among the groups gnomAD compares: Non-Finnish European, 0.00017%; no homozygotes.

Submission:

Labcorp Genetics (formerly Invitae), Labcorp
Classification: Uncertain significance. Last evaluated: 2024-06-15. Review status: criteria provided, single submitter. Criteria: Invitae Variant Classification Sherloc (09022015). Collection method: clinical testing. Allele origin: germline.
Comment: This sequence change replaces alanine, which is neutral and non-polar, with valine, which is neutral and non-polar, at codon 370 of the TNNI3K protein (p.Ala370Val). This variant is not present in population databases (gnomAD no frequency). This variant has not been reported in the literature in individuals affected with TNNI3K-related conditions. Advanced modeling of protein sequence and biophysical properties (such as structural, functional, and spatial information, amino acid conservation, physicochemical variation, residue mobility, and thermodynamic stability) performed at Invitae indicates that this missense variant is not expected to disrupt TNNI3K protein function with a negative predictive value of 80%. In summary, the available evidence is currently insufficient to determine the role of this variant in disease. Therefore, it has been classified as a Variant of Uncertain Significance.

NM_015978.3(TNNI3K):c.1109C>T (p.Ala370Val)

Genes: FPGT-TNNI3K (FPGT-TNNI3K readthrough; plus strand), TNNI3K (TNNI3 interacting kinase; plus strand). Cytogenetic location: 1p31.1.
Variant type: single nucleotide variant.
Coding change: c.1109C>T on transcript NM_015978.3 (MANE Select); coding-DNA position 1109, C replaced by T.
Protein change: p.Ala370Val; replaces alanine 370 with valine.
Molecular consequence: missense variant.
Genome position (GRCh38, 1-based): chr1:74,354,061, C>T. VCF-style: chr1-74354061-C-T. GRCh37 (hg19) VCF-style: chr1-74819745-C-T.
Other names: c.1412C>T, p.Ala471Val (NM_001112808.3, NM_001199327.2); short protein forms A370V, A471V.
Identifiers: ClinVar variation 3697817 (VCV003697817.2).